The following is an entry in ClinVar:

NM_006005.3(WFS1):c.1649A>T (p.Glu550Val)

Gene: WFS1 (wolframin ER transmembrane glycoprotein; plus strand). Cytogenetic location: 4p16.1.
Variant type: single nucleotide variant.
Coding change: c.1649A>T on transcript NM_006005.3 (MANE Select); coding-DNA position 1649, A replaced by T.
Protein change: p.Glu550Val; replaces glutamic acid 550 with valine.
Molecular consequence: missense variant.
Genome position (GRCh38, 1-based): chr4:6,301,444, A>T. VCF-style: chr4-6301444-A-T. GRCh37 (hg19) VCF-style: chr4-6303171-A-T.
Other names: c.1649A>T, p.Glu550Val (NM_001145853.1); short protein forms E550V.
Identifiers: ClinVar variation 1315759 (VCV001315759.2), dbSNP rs760990181, ClinGen allele CA356176406.

ClinVar aggregate classification (germline): Uncertain significance (1 of 4 stars; one submission).

Submission:

GeneDx
Classification: Uncertain significance. Last evaluated: 2019-10-04. Review status: criteria provided, single submitter. Criteria: GeneDx Variant Classification Process June 2021. Collection method: clinical testing. Allele origin: germline. Affected: yes.
Comment: Not observed in large population cohorts (Lek et al., 2016); In silico analysis, which includes protein predictors and evolutionary conservation, supports a deleterious effect; Has not been previously published as pathogenic or benign to our knowledge